The following is an entry in ClinVar:

ClinVar aggregate classification (germline): Uncertain significance. Review status: reviewed by expert panel (3 of 4 stars). 2 submissions from 2 submitters: Uncertain significance (1). 1 of the submissions does not count toward it. Last evaluated 2024-09-25.

Conditions:
Hereditary thrombocytopenia and hematological cancer predisposition syndrome associated with RUNX1. Also called: PLATELET DISORDER, ASPIRIN-LIKE; Familial Platelet Disorder with Propensity to Acute Myelogenous Leukemia; Familial thrombocytopenia with propensity to acute myelogenous leukemia; RUNX1 Familial Platelet Disorder with Associated Myeloid Malignancies. Identifiers: Orphanet 71290, MedGen C1832388, MeSH C563324, MONDO:0100083, OMIM 601399.
Hereditary thrombocytopenia and hematologic cancer predisposition syndrome. Identifiers: Orphanet 71290, MedGen CN281654, MONDO:0011071.

Submissions (2):

ClinGen Myeloid Malignancy Variant Curation Expert Panel
Classification: Uncertain significance for Hereditary thrombocytopenia and hematologic cancer predisposition syndrome. Last evaluated: 2024-09-25. Review status: reviewed by expert panel. Criteria: ClinGen MyeloMalig ACMG Specifications v2. Collection method: curation. Allele origin: germline. Inheritance: Autosomal dominant inheritance.
Comment: NM_001754.5(RUNX1):c.1310C>T (p.Thr437Ile) is a missense variant. This variant is completely absent from all population databases with at least 20x coverage for RUNX1 (PM2_supporting). This missense variant has a REVEL score <0.50 (0.337) and a spliceAI score <0.2 (0.0) (BP4). In summary, the clinical significance of this variant is uncertain. ACMG/AMP criteria applied, as specified by the Myeloid Malignancy Variant Curation Expert Panel for RUNX1: PM2_supporting, BP4.

Labcorp Genetics (formerly Invitae), Labcorp
Classification: Uncertain significance for Hereditary thrombocytopenia and hematological cancer predisposition syndrome associated with RUNX1. Last evaluated: 2020-02-10. Review status: criteria provided, single submitter. Criteria: Invitae Variant Classification Sherloc (09022015). Collection method: clinical testing. Allele origin: germline. Not counted in ClinVar's aggregate classification.
Comment: This sequence change replaces threonine with isoleucine at codon 437 of the RUNX1 protein (p.Thr437Ile). The threonine residue is moderately conserved and there is a moderate physicochemical difference between threonine and isoleucine. The frequency data for this variant in the population databases is considered unreliable, as metrics indicate insufficient coverage at this position in the ExAC database. This variant has not been reported in the literature in individuals with RUNX1-related conditions. Algorithms developed to predict the effect of missense changes on protein structure and function are either unavailable or do not agree on the potential impact of this missense change (SIFT: "Tolerated"; PolyPhen-2: "Probably Damaging"; Align-GVGD: "Class C0"). In summary, the available evidence is currently insufficient to determine the role of this variant in disease. Therefore, it has been classified as a Variant of Uncertain Significance.

NM_001754.5(RUNX1):c.1310C>T (p.Thr437Ile)

Gene: RUNX1 (RUNX family transcription factor 1; minus strand). Cytogenetic location: 21q22.12.
Variant type: single nucleotide variant.
Coding change: c.1310C>T on transcript NM_001754.5 (MANE Select); coding-DNA position 1310, C replaced by T.
Protein change: p.Thr437Ile; replaces threonine 437 with isoleucine.
Molecular consequence: missense variant.
Genome position (GRCh38, 1-based): chr21:34,792,268, G>A on the plus strand (C>T on the coding strand, the complement: RUNX1 is on the minus strand). VCF-style: chr21-34792268-G-A. GRCh37 (hg19) VCF-style: chr21-36164565-G-A.
Other names: NM_001754.5(RUNX1):c.1310C>T; p.Thr437Ile; c.1229C>T, p.Thr410Ile (NM_001001890.3); short protein forms T410I, T437I.
Identifiers: ClinVar variation 1058050 (VCV001058050.10), dbSNP rs982238500, ClinGen allele CA410147414.